The following is an entry in ClinVar:

NM_002299.4(LCT):c.2897T>C (p.Leu966Pro)

Gene: LCT (lactase; minus strand). Cytogenetic location: 2q21.3.
Variant type: single nucleotide variant.
Coding change: c.2897T>C on transcript NM_002299.4 (MANE Select); coding-DNA position 2897, T replaced by C.
Protein change: p.Leu966Pro; replaces leucine 966 with proline.
Molecular consequence: missense variant.
Genome position (GRCh38, 1-based): chr2:135,809,450, A>G on the plus strand (T>C on the coding strand, the complement: LCT is on the minus strand). VCF-style: chr2-135809450-A-G. GRCh37 (hg19) VCF-style: chr2-136567020-A-G.
Other names: short protein forms L966P.
Identifiers: ClinVar variation 3348987 (VCV003348987.2).

ClinVar aggregate classification (germline): Uncertain significance. Review status: criteria provided, single submitter (1 of 4 stars). 2 submissions from 2 submitters: Uncertain significance (1). 1 of the submissions does not count toward it. Last evaluated 2025-11-08.

Conditions:
LCT-related disorder. Also called: LCT-related condition.
Inborn genetic diseases. Identifiers: MedGen C0950123, MeSH D030342.

Submissions (2):

Ambry Genetics
Classification: Uncertain significance for Inborn genetic diseases. Last evaluated: 2025-11-08. Review status: criteria provided, single submitter. Criteria: Ambry Variant Classification Scheme 2023. Collection method: clinical testing. Allele origin: germline.

PreventionGenetics, part of Exact Sciences
Classification: Uncertain significance for LCT-related condition. Last evaluated: 2024-03-14. Review status: no assertion criteria provided. Collection method: clinical testing. Allele origin: germline. Not counted in ClinVar's aggregate classification.
Comment: The LCT c.2897T>C variant is predicted to result in the amino acid substitution p.Leu966Pro. To our knowledge, this variant has not been reported in the literature or in a large population database, indicating this variant is rare. At this time, the clinical significance of this variant is uncertain due to the absence of conclusive functional and genetic evidence.